The following is an entry in ClinVar:

ClinVar aggregate classification (germline): Uncertain significance (1 of 4 stars; one submission).

Conditions:
Intellectual developmental disorder, autosomal dominant 1. Also called: MBD5 Haploinsufficiency; Intellectual disability, autosomal dominant 1. Identifiers: Orphanet 228402, MedGen C1969562, MONDO:0007974, OMIM 156200.

Submission:

Labcorp Genetics (formerly Invitae), Labcorp
Classification: Uncertain significance for Intellectual developmental disorder, autosomal dominant 1. Last evaluated: 2025-02-06. Review status: criteria provided, single submitter. Criteria: Invitae Variant Classification Sherloc (09022015). Collection method: clinical testing. Allele origin: germline.
Comment: This sequence change replaces proline, which is neutral and non-polar, with leucine, which is neutral and non-polar, at codon 505 of the MBD5 protein (p.Pro505Leu). This variant is not present in population databases (gnomAD no frequency). This variant has not been reported in the literature in individuals affected with MBD5-related conditions. Invitae Evidence Modeling of protein sequence and biophysical properties (such as structural, functional, and spatial information, amino acid conservation, physicochemical variation, residue mobility, and thermodynamic stability) has been performed for this missense variant. However, the output from this modeling did not meet the statistical confidence thresholds required to predict the impact of this variant on MBD5 protein function. In summary, the available evidence is currently insufficient to determine the role of this variant in disease. Therefore, it has been classified as a Variant of Uncertain Significance.

NM_001378120.1(MBD5):c.1514C>T (p.Pro505Leu)

Gene: MBD5 (methyl-CpG binding domain protein 5; plus strand). Cytogenetic location: 2q23.1.
Variant type: single nucleotide variant.
Coding change: c.1514C>T on transcript NM_001378120.1 (MANE Select); coding-DNA position 1514, C replaced by T.
Protein change: p.Pro505Leu; replaces proline 505 with leucine.
Molecular consequence: missense variant.
Genome position (GRCh38, 1-based): chr2:148,469,457, C>T. VCF-style: chr2-148469457-C-T. GRCh37 (hg19) VCF-style: chr2-149227026-C-T.
Other names: c.1514C>T, p.Pro505Leu (NM_001438859.1, NM_001438860.1, NM_001438861.1 and 7 more transcripts); short protein forms P505L.
Identifiers: ClinVar variation 4755213 (VCV004755213.1).
Genomic context (GRCh38, chr2:148,469,457, plus strand): 5'-GTATTAAGGTTCCACCCAGGTCACCAAGGTCAACAATAGGGTCCCCAAGGCCATCAATGC[C>T]ATCAAGCCCTTCTACCAAGTCCGATGGACATCATCAGTACAAGGATATCCCTAACCCATT-3'
Protein context (NP_001365049.1, residues 495-515): STIGSPRPSM[Pro505Leu]SSPSTKSDGH